The following is an entry in ClinVar:

ClinVar aggregate classification (germline): Uncertain significance (1 of 4 stars; one submission).

gnomAD v4.1: 3 of 1,580,486 alleles (0.00019%); highest among the groups gnomAD compares: Non-Finnish European, 0.00026%; no homozygotes.

Submission:

GeneDx
Classification: Uncertain significance. Last evaluated: 2023-12-13. Review status: criteria provided, single submitter. Criteria: GeneDx Variant Classification Process June 2021. Collection method: clinical testing. Allele origin: germline. Affected: yes.
Comment: Not observed at significant frequency in large population cohorts (gnomAD); In silico analysis supports that this missense variant has a deleterious effect on protein structure/function; Has not been previously published as pathogenic or benign to our knowledge

NM_198503.5(KCNT2):c.2191G>A (p.Gly731Arg)

Gene: KCNT2 (potassium sodium-activated channel subfamily T member 2; minus strand). Cytogenetic location: 1q31.3.
Variant type: single nucleotide variant.
Coding change: c.2191G>A on transcript NM_198503.5 (MANE Select); coding-DNA position 2191, G replaced by A.
Protein change: p.Gly731Arg; replaces glycine 731 with arginine.
Molecular consequence: missense variant. On other transcripts: non-coding transcript variant (2).
Genome position (GRCh38, 1-based): chr1:196,326,802, C>T on the plus strand (G>A on the coding strand, the complement: KCNT2 is on the minus strand). VCF-style: chr1-196326802-C-T. GRCh37 (hg19) VCF-style: chr1-196295932-C-T.
Other names: c.2191G>A, p.Gly731Arg (NM_001287819.3); c.2041G>A, p.Gly681Arg (NM_001287820.3); short protein forms G681R, G731R.
Identifiers: ClinVar variation 3365497 (VCV003365497.1).